The following is an entry in ClinVar:

ClinVar aggregate classification (germline): Uncertain significance. Review status: criteria provided, multiple submitters, no conflicts (2 of 4 stars). 2 submissions from 2 submitters: Uncertain significance (2). Last evaluated 2025-12-22.

Conditions:
PNPT1-related disorder. Also called: PNPT1-related condition; PNPT1-related disorders.

Allele frequency attached by ClinVar (database versions not stated): gnomAD exomes 0.00001; TOPMed 0.00001; gnomAD 0.00003.
gnomAD v4.1: 9 of 1,575,812 alleles (0.00057%); highest among the groups gnomAD compares: African/African-American, 0.011%; no homozygotes.

Submissions (2):

PreventionGenetics, part of Exact Sciences
Classification: Uncertain significance for PNPT1-related condition. Last evaluated: 2025-12-22. Review status: criteria provided, single submitter. Criteria: ACMG Guidelines, 2015. Collection method: clinical testing. Allele origin: germline.
Comment: The PNPT1 c.1220A>C variant is predicted to result in the amino acid substitution p.Lys407Thr. To our knowledge, this variant has not been reported in the literature. This variant is reported in 0.013% of alleles in individuals of African descent in gnomAD. At this time, the clinical significance of this variant is uncertain due to the absence of conclusive functional and genetic evidence.

Labcorp Genetics (formerly Invitae), Labcorp
Classification: Uncertain significance. Last evaluated: 2022-07-31. Review status: criteria provided, single submitter. Criteria: Invitae Variant Classification Sherloc (09022015). Collection method: clinical testing. Allele origin: germline.
Comment: This sequence change replaces lysine, which is basic and polar, with threonine, which is neutral and polar, at codon 407 of the PNPT1 protein (p.Lys407Thr). This variant is present in population databases (no rsID available, gnomAD 0.01%). This variant has not been reported in the literature in individuals affected with PNPT1-related conditions. Advanced modeling of protein sequence and biophysical properties (such as structural, functional, and spatial information, amino acid conservation, physicochemical variation, residue mobility, and thermodynamic stability) performed at Invitae indicates that this missense variant is expected to disrupt PNPT1 protein function. In summary, the available evidence is currently insufficient to determine the role of this variant in disease. Therefore, it has been classified as a Variant of Uncertain Significance.

NM_033109.5(PNPT1):c.1220A>C (p.Lys407Thr)

Gene: PNPT1 (polyribonucleotide nucleotidyltransferase 1; minus strand). Cytogenetic location: 2p16.1.
Variant type: single nucleotide variant.
Coding change: c.1220A>C on transcript NM_033109.5 (MANE Select); coding-DNA position 1220, A replaced by C.
Protein change: p.Lys407Thr; replaces lysine 407 with threonine.
Molecular consequence: missense variant.
Genome position (GRCh38, 1-based): chr2:55,661,983, T>G on the plus strand (A>C on the coding strand, the complement: PNPT1 is on the minus strand). VCF-style: chr2-55661983-T-G. GRCh37 (hg19) VCF-style: chr2-55889118-T-G.
Other names: c.1220A>C (NM_033109.4); short protein forms K407T.
Identifiers: ClinVar variation 1983397 (VCV001983397.2), dbSNP rs1037446559, ClinGen allele CA47657386.